The following is an entry in ClinVar:

NM_001349884.2(DRAM2):c.242T>C (p.Leu81Pro)

Gene: DRAM2 (DNA damage regulated autophagy modulator 2; minus strand). Cytogenetic location: 1p13.3.
Variant type: single nucleotide variant.
Coding change: c.242T>C on transcript NM_001349884.2 (MANE Select); coding-DNA position 242, T replaced by C.
Protein change: p.Leu81Pro; replaces leucine 81 with proline.
Molecular consequence: missense variant. On other transcripts: 5 prime UTR variant (1), non-coding transcript variant (3), intron variant (7).
Genome position (GRCh38, 1-based): chr1:111,124,839, A>G on the plus strand (T>C on the coding strand, the complement: DRAM2 is on the minus strand). VCF-style: chr1-111124839-A-G. GRCh37 (hg19) VCF-style: chr1-111667461-A-G.
Other names: c.242T>C, p.Leu81Pro (NM_001349881.2, NM_001349882.2, NM_001349885.2 and 1 more transcripts); c.-177T>C (NM_001349891.2); c.-52+1388T>C (NM_001349889.2, NM_001349890.2, NM_001349892.2 and 1 more transcripts); c.41+1388T>C (NM_001349887.2, NM_001349886.2, NM_001349888.2); short protein forms L81P.
Identifiers: ClinVar variation 1522285 (VCV001522285.8), dbSNP rs2101042487, ClinGen allele CA341819342.

ClinVar aggregate classification (germline): Uncertain significance (1 of 4 stars; one submission).

gnomAD v4.1: 2 of 1,613,442 alleles (0.00012%); highest among the groups gnomAD compares: Non-Finnish European, 0.00017%; no homozygotes.

Submission:

Labcorp Genetics (formerly Invitae), Labcorp
Classification: Uncertain significance. Last evaluated: 2024-05-22. Review status: criteria provided, single submitter. Criteria: Invitae Variant Classification Sherloc (09022015). Collection method: clinical testing. Allele origin: germline.
Comment: This sequence change replaces leucine, which is neutral and non-polar, with proline, which is neutral and non-polar, at codon 81 of the DRAM2 protein (p.Leu81Pro). This variant is not present in population databases (gnomAD no frequency). This variant has not been reported in the literature in individuals affected with DRAM2-related conditions. ClinVar contains an entry for this variant (Variation ID: 1522285). Advanced modeling of protein sequence and biophysical properties (such as structural, functional, and spatial information, amino acid conservation, physicochemical variation, residue mobility, and thermodynamic stability) performed at Invitae indicates that this missense variant is expected to disrupt DRAM2 protein function with a positive predictive value of 80%. In summary, the available evidence is currently insufficient to determine the role of this variant in disease. Therefore, it has been classified as a Variant of Uncertain Significance.